The following is an entry in ClinVar:

ClinVar aggregate classification (germline): Pathogenic (0 of 4 stars; one submission).

Conditions:
Beta-thalassemia HBB/LCRB. Identifiers: MedGen CN322236, MONDO:0013517, OMIM 613985.

Submission:

MOLECULAR BIOLOGY AND HUMAN GENETICS DIVISION, THE UNIVERSITY OF BURDWAN
Classification: Pathogenic for Beta-thalassemia HBB/LCRB. Last evaluated: 2022-07-26. Review status: no assertion criteria provided. Collection method: clinical testing. Allele origin: germline. Inheritance: Autosomal recessive inheritance. Affected: yes. Observed: 3 variant alleles, 1 heterozygote, 2 compound heterozygotes. Clinical features observed: Anemia.
Comment: The variant causes long deletion of entire beta globin gene cluster, ( HBB; HBD;HBG1;HBG2;HBE1, OR51B4) genomic region. When this variant present with another variant in HBB gene that causes severe anemia, patient require frequent transfusion in few cases Hepatosplenomegaly was observed

Single allele

Genes: A-GAMMA3'E (A-gamma-globin 3' regulatory region; plus strand), BGLT3 (beta globin locus transcript 3; minus strand), HBB (hemoglobin subunit beta; minus strand), HBB-LCR (beta-globin locus control region; plus strand), HBD (hemoglobin subunit delta; minus strand) and 12 more. Cytogenetic location: 11p15.4.
Variant type: Deletion.
Identifiers: ClinVar variation 3255366 (VCV003255366.2).